The following is an entry in ClinVar:

ClinVar aggregate classification (germline): Uncertain significance (1 of 4 stars; one submission).

Allele frequency attached by ClinVar (database versions not stated): ExAC 0.00003; gnomAD 0.00004; 1000 Genomes Project 30x 0.00016; 1000 Genomes Project 0.00020.
gnomAD v4.1: 30 of 1,600,064 alleles (0.0019%); highest among the groups gnomAD compares: African/African-American, 0.0069%; no homozygotes.

Submission:

Labcorp Genetics (formerly Invitae), Labcorp
Classification: Uncertain significance. Last evaluated: 2025-03-10. Review status: criteria provided, single submitter. Criteria: Invitae Variant Classification Sherloc (09022015). Collection method: clinical testing. Allele origin: germline.
Comment: This sequence change replaces glycine, which is neutral and non-polar, with arginine, which is basic and polar, at codon 457 of the ZMIZ1 protein (p.Gly457Arg). This variant is present in population databases (rs556061702, gnomAD 0.006%). This variant has not been reported in the literature in individuals affected with ZMIZ1-related conditions. ClinVar contains an entry for this variant (Variation ID: 1903381). Invitae Evidence Modeling of protein sequence and biophysical properties (such as structural, functional, and spatial information, amino acid conservation, physicochemical variation, residue mobility, and thermodynamic stability) indicates that this missense variant is not expected to disrupt ZMIZ1 protein function with a negative predictive value of 95%. In summary, the available evidence is currently insufficient to determine the role of this variant in disease. Therefore, it has been classified as a Variant of Uncertain Significance.

NM_020338.4(ZMIZ1):c.1369G>A (p.Gly457Arg)

Gene: ZMIZ1 (zinc finger MIZ-type containing 1; plus strand). Cytogenetic location: 10q22.3.
Variant type: single nucleotide variant.
Coding change: c.1369G>A on transcript NM_020338.4 (MANE Select); coding-DNA position 1369, G replaced by A.
Protein change: p.Gly457Arg; replaces glycine 457 with arginine.
Molecular consequence: missense variant.
Genome position (GRCh38, 1-based): chr10:79,296,609, G>A. VCF-style: chr10-79296609-G-A. GRCh37 (hg19) VCF-style: chr10-81056366-G-A.
Other names: short protein forms G457R.
Identifiers: ClinVar variation 1903381 (VCV001903381.5), dbSNP rs556061702, ClinGen allele CA5572650.
Genomic context (GRCh38, chr10:79,296,609, plus strand): 5'-CCGAGGCCACTCACCTCCCCCAACTACCCAGGACAGAGGATGCCCAGCCAGCCGAGCTCC[G>A]GGCAGTACCCGCCCCCCACGGTCAACATGGGGCAGTATTACAAGGTGAGTCCCAGCCTCG-3'
Protein context (NP_065071.1, residues 447-467): GQRMPSQPSS[Gly457Arg]QYPPPTVNMG